The following is an entry in ClinVar:

NM_001321120.2(TBX4):c.621C>T (p.Phe207=)

Gene: TBX4 (T-box transcription factor 4; plus strand). Cytogenetic location: 17q23.2.
Variant type: single nucleotide variant.
Coding change: c.621C>T on transcript NM_001321120.2 (MANE Select); coding-DNA position 621, C replaced by T.
Protein change: p.Phe207=; no amino-acid change (phenylalanine 207 retained).
Molecular consequence: synonymous variant.
Genome position (GRCh38, 1-based): chr17:61,478,698, C>T. VCF-style: chr17-61478698-C-T. GRCh37 (hg19) VCF-style: chr17-59556059-C-T.
Other names: c.621C>T, p.Phe207= (NM_018488.3).
Identifiers: ClinVar variation 3056050 (VCV003056050.5), dbSNP rs150224277, ClinGen allele CA8689866.

ClinVar aggregate classification (germline): Likely benign. Review status: criteria provided, multiple submitters, no conflicts (2 of 4 stars). 3 submissions from 3 submitters: Likely benign (2). 1 of the submissions does not count toward it. Last evaluated 2025-04-17.

Conditions:
TBX4-related disorder. Also called: TBX4-related condition; TBX4-related disorders.

Allele frequency attached by ClinVar (database versions not stated): TOPMed 0.00012; gnomAD exomes 0.00013; gnomAD 0.00015; ExAC 0.00019; ESP Exome Variant Server 0.00023.
gnomAD v4.1: 211 of 1,614,060 alleles (0.013%); highest among the groups gnomAD compares: Non-Finnish European, 0.014%; no homozygotes.

Submissions (3):

Labcorp Genetics (formerly Invitae), Labcorp
Classification: Likely benign. Last evaluated: 2025-04-17. Review status: criteria provided, single submitter. Criteria: Invitae Variant Classification Sherloc (09022015). Collection method: clinical testing. Allele origin: germline.

Blueprint Genetics
Classification: Likely benign. Last evaluated: 2024-03-23. Review status: criteria provided, single submitter. Criteria: ACMG Guidelines, 2015. Collection method: clinical testing. Allele origin: germline.

PreventionGenetics, part of Exact Sciences
Classification: Likely benign for TBX4-related condition. Last evaluated: 2019-04-30. Review status: no assertion criteria provided. Collection method: clinical testing. Allele origin: germline. Not counted in ClinVar's aggregate classification.
Comment: This variant is classified as likely benign based on ACMG/AMP sequence variant interpretation guidelines (Richards et al. 2015 PMID: 25741868, with internal and published modifications).